The following is an entry in ClinVar:

NM_052865.4(MGME1):c.23C>T (p.Thr8Ile)

Genes: MGME1 (mitochondrial genome maintenance exonuclease 1; plus strand), LOC126862983 (CDK7 strongly-dependent group 2 enhancer GRCh37_chr20:17950167-17951366; plus strand). Cytogenetic location: 20p11.23.
Variant type: single nucleotide variant.
Coding change: c.23C>T on transcript NM_052865.4 (MANE Select); coding-DNA position 23, C replaced by T.
Protein change: p.Thr8Ile; replaces threonine 8 with isoleucine.
Molecular consequence: missense variant.
Genome position (GRCh38, 1-based): chr20:17,969,882, C>T. VCF-style: chr20-17969882-C-T. GRCh37 (hg19) VCF-style: chr20-17950525-C-T.
Other names: c.23C>T, p.Thr8Ile (NM_001310338.2, NM_001310339.2, NM_001363738.2); short protein forms T8I.
Identifiers: ClinVar variation 1956201 (VCV001956201.5), dbSNP rs770853931, ClinGen allele CA9774863.

ClinVar aggregate classification (germline): Uncertain significance (1 of 4 stars; one submission).

Allele frequency attached by ClinVar (database versions not stated): gnomAD 0.00001.
gnomAD v4.1: 14 of 1,610,266 alleles (0.00087%); highest among the groups gnomAD compares: South Asian, 0.014%; no homozygotes.

Submission:

Labcorp Genetics (formerly Invitae), Labcorp
Classification: Uncertain significance. Last evaluated: 2021-12-30. Review status: criteria provided, single submitter. Criteria: Invitae Variant Classification Sherloc (09022015). Collection method: clinical testing. Allele origin: germline.
Comment: In summary, the available evidence is currently insufficient to determine the role of this variant in disease. Therefore, it has been classified as a Variant of Uncertain Significance. Algorithms developed to predict the effect of missense changes on protein structure and function output the following: SIFT: "Tolerated"; PolyPhen-2: "Benign"; Align-GVGD: "Class C0". The isoleucine amino acid residue is found in multiple mammalian species, which suggests that this missense change does not adversely affect protein function. This variant has not been reported in the literature in individuals affected with MGME1-related conditions. This variant is present in population databases (rs770853931, gnomAD 0.01%). This sequence change replaces threonine, which is neutral and polar, with isoleucine, which is neutral and non-polar, at codon 8 of the MGME1 protein (p.Thr8Ile).